The following is an entry in ClinVar:

ClinVar aggregate classification (germline): Uncertain significance (1 of 4 stars; one submission).

Conditions:
Hereditary cancer-predisposing syndrome. Also called: Neoplastic Syndromes, Hereditary; Tumor predisposition; Hereditary Cancer Syndrome; Hereditary neoplastic syndrome. Identifiers: Orphanet 140162, MedGen C0027672, MeSH D009386, MONDO:0015356.

Submission:

Ambry Genetics
Classification: Uncertain significance for Hereditary cancer-predisposing syndrome. Last evaluated: 2024-08-28. Review status: criteria provided, single submitter. Criteria: Ambry Variant Classification Scheme 2023. Collection method: clinical testing. Allele origin: germline.
Comment: The p.I183M variant (also known as c.549A>G), located in coding exon 3 of the RAD51C gene, results from an A to G substitution at nucleotide position 549. The isoleucine at codon 183 is replaced by methionine, an amino acid with highly similar properties. This amino acid position is conserved. In addition, this alteration is predicted to be tolerated by in silico analysis. Based on the available evidence, the clinical significance of this variant remains unclear.

NM_058216.3(RAD51C):c.549A>G (p.Ile183Met)

Gene: RAD51C (RAD51 paralog C; plus strand). Cytogenetic location: 17q22.
Variant type: single nucleotide variant.
Coding change: c.549A>G on transcript NM_058216.3 (MANE Select); coding-DNA position 549, A replaced by G.
Protein change: p.Ile183Met; replaces isoleucine 183 with methionine.
Molecular consequence: missense variant.
Genome position (GRCh38, 1-based): chr17:58,696,837, A>G. VCF-style: chr17-58696837-A-G. GRCh37 (hg19) VCF-style: chr17-56774198-A-G.
Other names: short protein forms I183M.
Identifiers: ClinVar variation 3429714 (VCV003429714.1).
Genomic context (GRCh38, chr17:58,696,837, plus strand): 5'-TTTTATGGTTGATAGAGTGGTAGACCTTGCTACTGCCTGCATTCAGCACCTTCAGCTTAT[A>G]GCAGAAAAACACAAGGGAGAGGGTAAGTTAGTAAATGATCTTCTTTTTTTCTGTATTAAT-3'
Protein context (NP_478123.1, residues 173-193): ATACIQHLQL[Ile183Met]AEKHKGEEHR